The following is an entry in ClinVar:

NM_000396.4(CTSK):c.721C>T (p.Arg241Ter)

Gene: CTSK (cathepsin K; minus strand). Cytogenetic location: 1q21.3.
Variant type: single nucleotide variant.
Coding change: c.721C>T on transcript NM_000396.4 (MANE Select); coding-DNA position 721, C replaced by T.
Protein change: p.Arg241Ter; replaces arginine 241 with a stop codon.
Molecular consequence: nonsense.
Genome position (GRCh38, 1-based): chr1:150,799,607, G>A on the plus strand (C>T on the coding strand, the complement: CTSK is on the minus strand). VCF-style: chr1-150799607-G-A. GRCh37 (hg19) VCF-style: chr1-150772083-G-A.
Other names: short protein forms R241*.
Identifiers: ClinVar variation 8422 (VCV000008422.26), dbSNP rs74315303, ClinGen allele CA119609.

ClinVar aggregate classification (germline): Pathogenic/Likely pathogenic. Review status: criteria provided, multiple submitters, no conflicts (2 of 4 stars). 13 submissions from 13 submitters: Pathogenic (10); Likely pathogenic (1). 2 of the submissions do not count toward it. Last evaluated 2025-11-19.

Conditions:
CTSK-related disorder. Also called: CTSK-related condition.
Pyknodysostosis. Also called: Pycnodysostosis. Identifiers: Orphanet 763, MedGen C0238402, MONDO:0009940, OMIM 265800.

Allele frequency attached by ClinVar (database versions not stated): TOPMed 0.00002.

Submissions (13):

Dasa
Classification: Pathogenic. Last evaluated: 2025-11-19. Review status: criteria provided, single submitter. Criteria: DASA Assertion Criteria. Collection method: clinical testing. Allele origin: germline.
Comment: NM_000396.4(CTSK):c.721C>T (p.Arg241*) introduces a premature termination codon predicted to result in loss of normal protein function. Loss-of-function is an established mechanism of disease for this gene. Segregation evidence has been reported in affected families. This variant has been observed in affected individuals with related phenotype in a genotype context consistent with recessive disease (PMID: 12125807; PMID: 21569238; PMID: 8703060; PMID: 8938428). This variant has been recurrently observed in individuals with related phenotype (PMID: 12125807; PMID: 21569238; PMID: 8703060; PMID: 8938428). The variant is present at low frequency in population datasets. Based on the available data, this variant is classified as pathogenic.

3billion
Classification: Pathogenic for Pyknodysostosis. Last evaluated: 2025-09-25. Review status: criteria provided, single submitter. Criteria: ACMG Guidelines, 2015. Collection method: clinical testing. Allele origin: germline. Affected: yes.
Comment: The variant is observed at an extremely low frequency in the gnomAD v4.1.0 dataset (total allele frequency: 0.006%). Predicted Consequence/Location: Stop-gained (nonsense): predicted to result in a loss or disruption of normal protein function through nonsense-mediated decay (NMD) or protein truncation. Multiple pathogenic variants are reported downstream of the variant. The variant has been reported to be in trans with a pathogenic variant as either compound heterozygous or homozygous in at least one similarly affected unrelated individual (PMID: 8938428). The variant has been reported to co-segregate with the disease in at least 5 similarly affected relatives/individuals in the same family or similarly affected unrelated families (PMID: 8938428). The variant has been reported at least twice as pathogenic with clinical assertions and evidence for the classification (ClinVar ID: VCV000008422 /PMID: 8703060 /3billion dataset). Therefore, this variant is classified as Pathogenic according to the recommendation of ACMG/AMP guideline.

Labcorp Genetics (formerly Invitae), Labcorp
Classification: Pathogenic. Last evaluated: 2025-08-30. Review status: criteria provided, single submitter. Criteria: Invitae Variant Classification Sherloc (09022015). Collection method: clinical testing. Allele origin: germline.
Comment: This sequence change creates a premature translational stop signal (p.Arg241*) in the CTSK gene. It is expected to result in an absent or disrupted protein product. Loss-of-function variants in CTSK are known to be pathogenic (PMID: 12125807, 21569238). This variant is present in population databases (rs74315303, gnomAD 0.01%). This premature translational stop signal has been observed in individuals with pycnodysostosis (PMID: 8703060, 8938428). It has also been observed to segregate with disease in related individuals. ClinVar contains an entry for this variant (Variation ID: 8422). For these reasons, this variant has been classified as Pathogenic.

Natera, Inc.
Classification: Pathogenic for Pyknodysostosis. Last evaluated: 2025-03-20. Review status: criteria provided, single submitter. Criteria: Natera Variant Classification Schema (03/2026). Collection method: clinical testing. Allele origin: germline.
Comment: The c.721C>T variant in CTSK is a nonsense variant predicted to introduce a stop codon at amino acid 241. This variant is expected to result in nonsense mediated decay, truncation, or a dysfunctional protein product. This variant is rare in the general population with a frequency below the threshold expected for the associated phenotype(s). This variant has been observed in one or more individuals affected with the associated recessive disease, as either homozygous or compound heterozygous with a second variant (PMID: 20814951). Given the available evidence, this variant is classified as Pathogenic.

GeneDx
Classification: Pathogenic. Last evaluated: 2024-12-30. Review status: criteria provided, single submitter. Criteria: GeneDx Variant Classification Process June 2021. Collection method: clinical testing. Allele origin: germline. Affected: yes.
Comment: Nonsense variant predicted to result in protein truncation or nonsense mediated decay in a gene for which loss of function is a known mechanism of disease; This variant is associated with the following publications: (PMID: 21217630, 25525159, 31589614, 12874701, 17397052, 12125807, 10571690, 10074491, 31345219, 20814951, 31237352, 8703060, 8938428)

Blueprint Genetics
Classification: Pathogenic for CTSK-related disorders. Last evaluated: 2024-11-18. Review status: criteria provided, single submitter. Criteria: ACMG Guidelines, 2015. Collection method: clinical testing. Allele origin: germline. Affected: yes. Observed: 5 variant alleles.

Fulgent Genetics
Classification: Pathogenic for Pyknodysostosis. Last evaluated: 2024-06-05. Review status: criteria provided, single submitter. Criteria: ACMG Guidelines, 2015. Collection method: clinical testing. Allele origin: germline.

Genome-Nilou Lab
Classification: Likely pathogenic for Pyknodysostosis. Last evaluated: 2023-04-11. Review status: criteria provided, single submitter. Criteria: ACMG Guidelines, 2015. Collection method: clinical testing. Allele origin: germline. Affected: no.

Laboratorio de Genetica e Diagnostico Molecular, Hospital Israelita Albert Einstein
Classification: Pathogenic for Pyknodysostosis. Last evaluated: 2022-08-12. Review status: criteria provided, single submitter. Criteria: ACMG Guidelines, 2015. Collection method: clinical testing. Allele origin: germline. Affected: yes. Observed: 1 variant allele.
Comment: ACMG classification criteria: PVS1 very strong, PS4 strong, PM2 supporting, PM3 very strong, PP1 strong

Clinical Biomedical Laboratory, Shriners Hospital For Children - Canada
Classification: Pathogenic for Pyknodysostosis. Review status: criteria provided, single submitter. Criteria: ACMG Guidelines, 2015. Collection method: clinical testing. Allele origin: germline. Affected: yes.
Comment: This variant is predicted to substitute an arginine residue by a stop codon. This is expected to lead to degradation of the affected transcript and loss of function of the affected allele. Loss of function variants in CTSK are associated with pycnodysostosis which corresponds to the clinical diagnosis of the proband. This variant is present at low frequency in the Genome Aggregation Database (v2.1.1.), indicating it is very rare. Based on the ACMG variant interpretation guidelines (criteria: PVS1, PS3, PM2, PP4), the available evidence supports classification of this variant as pathogenic.

Neuberg Centre For Genomic Medicine, NCGM
Classification: Pathogenic for Pyknodysostosis. Review status: criteria provided, single submitter. Criteria: ACMG Guidelines, 2015. Collection method: clinical testing. Allele origin: germline. Inheritance: Autosomal recessive inheritance. Affected: yes.
Comment: The stop gained p.R241* in CTSK (NM_000396.4) has been observed in individuals affected with pycnodysostosis, and has been shown to segregate with disease in a family (B D Gelb et al; M R Johnson). It is expected to result in an absent or disrupted protein product. The variant has been reported to ClinVar as Pathogenic/Likely Pathogenic. This variant is predicted to cause loss of normal protein function through protein truncation. For these reasons, this variant has been classified as Pathogenic.

Counsyl
Classification: Likely pathogenic for Pyknodysostosis. Last evaluated: 2014-12-02. Review status: no assertion criteria provided. Collection method: literature only. Allele origin: unknown. Inheritance: Autosomal recessive inheritance. Not counted in ClinVar's aggregate classification.

OMIM
Classification: Pathogenic for PYCNODYSOSTOSIS. Last evaluated: 1996-11-01. Review status: no assertion criteria provided. Collection method: literature only. Allele origin: germline. Not counted in ClinVar's aggregate classification.

Literature cited by the submitters: PubMed 12125807 (cited by Dasa and Labcorp Genetics (formerly Invitae), Labcorp); PubMed 21569238 (cited by Dasa and Labcorp Genetics (formerly Invitae), Labcorp); PubMed 8703060 (cited by 5 submitters); PubMed 8938428 (cited by 5 submitters); PubMed 20814951 (cited by Natera, Inc.); PubMed 10571690 (cited by Counsyl); PubMed 10074491 (cited by Counsyl); PubMed 17397052 (cited by Counsyl); PubMed 21217630 (cited by Counsyl); PubMed 23786531 (cited by Counsyl); PubMed 12874701 (cited by Counsyl); PubMed 7663522 (cited by OMIM).